The following is an entry in ClinVar:

ClinVar aggregate classification (germline): Conflicting classifications of pathogenicity. Review status: criteria provided, conflicting classifications (1 of 4 stars). 3 submissions from 3 submitters: Uncertain significance (2); Likely benign (1). Last evaluated 2026-01-05.

Allele frequency attached by ClinVar (database versions not stated): ExAC 0.00002; gnomAD 0.00002; gnomAD exomes 0.00002; TOPMed 0.00002.
gnomAD v4.1: 33 of 1,613,880 alleles (0.002%); highest among the groups gnomAD compares: Middle Eastern, 0.033%; no homozygotes.

Submissions (3):

Labcorp Genetics (formerly Invitae), Labcorp
Classification: Likely benign. Last evaluated: 2026-01-05. Review status: criteria provided, single submitter. Criteria: Invitae Variant Classification Sherloc (09022015). Collection method: clinical testing. Allele origin: germline.

Blueprint Genetics
Classification: Uncertain significance. Last evaluated: 2024-09-24. Review status: criteria provided, single submitter. Criteria: ACMG Guidelines, 2015. Collection method: clinical testing. Allele origin: germline.

Laboratory for Molecular Medicine, Mass General Brigham Personalized Medicine
Classification: Uncertain significance. Last evaluated: 2018-01-24. Review status: criteria provided, single submitter. Criteria: LMM Criteria. Collection method: clinical testing. Allele origin: germline. Observed: 1 variant allele.
Comment: The p.Ile323Thr variant in ADGRV1 has not been previously reported in individual s with hearing loss, but has been identified in 2/24018 African chromosomes and 2/126614 European chromosomes by the Genome Aggregation Database (gnomAD; dbSNP rs757910491). Although this variant has been s een in the general population, its frequency is not high enough to rule out a pa thogenic role. Computational prediction tools and conservation analysis suggest that the p.Ile323Thr variant may not impact the protein, though this information is not predictive enough to rule out pathogenicity. In summary, the clinical si gnificance of the p.Ile323Thr variant is uncertain. ACMG/AMP Criteria applied: P M2; BP4.

NM_032119.4(ADGRV1):c.968T>C (p.Ile323Thr)

Gene: ADGRV1 (adhesion G protein-coupled receptor V1; plus strand). Cytogenetic location: 5q14.3.
Variant type: single nucleotide variant.
Coding change: c.968T>C on transcript NM_032119.4 (MANE Select); coding-DNA position 968, T replaced by C.
Protein change: p.Ile323Thr; replaces isoleucine 323 with threonine.
Molecular consequence: missense variant. On other transcripts: non-coding transcript variant (1).
Genome position (GRCh38, 1-based): chr5:90,627,506, T>C. VCF-style: chr5-90627506-T-C. GRCh37 (hg19) VCF-style: chr5-89923323-T-C.
Other names: short protein forms I323T.
Identifiers: ClinVar variation 506258 (VCV000506258.8), dbSNP rs757910491, ClinGen allele CA3338588.